The following is an entry in ClinVar:

NM_001927.4(DES):c.640-3C>T

Gene: DES (desmin; plus strand). Cytogenetic location: 2q35.
Variant type: single nucleotide variant.
Coding change: c.640-3C>T on transcript NM_001927.4 (MANE Select); 3 bases into the intron before coding-DNA position 640, C replaced by T.
Molecular consequence: intron variant.
Genome position (GRCh38, 1-based): chr2:219,420,248, C>T. VCF-style: chr2-219420248-C-T. GRCh37 (hg19) VCF-style: chr2-220284970-C-T.
Other names: c.640-3C>T (NM_001927.3, NM_001382712.1, NM_001382711.1 and 2 more transcripts); c.637-3C>T (NM_001382708.1); c.496-277C>T (NM_001382713.1).
Identifiers: ClinVar variation 2936331 (VCV002936331.4), dbSNP rs1954409769, ClinGen allele CA1042513458.

ClinVar aggregate classification (germline): Uncertain significance. Review status: criteria provided, multiple submitters, no conflicts (2 of 4 stars). 2 submissions from 2 submitters: Uncertain significance (2). Last evaluated 2025-11-26.

Conditions:
Desmin-related myofibrillar myopathy (MFM1). Also called: Desminopathy; Desmin related myopathy (former name); Desmin storage myopathy (former name); MYOFIBRILLAR MYOPATHY WITH ARRHYTHMOGENIC RIGHT VENTRICULAR CARDIOMYOPATHY; Myofibrillar myopathy 1; DESMIN-RELATED MYOPATHY WITH ARRHYTHMOGENIC RIGHT VENTRICULAR CARDIOMYOPATHY. Identifiers: Orphanet 363543, Orphanet 98909, MedGen C1832370, MONDO:0011076, OMIM 601419.
Cardiovascular phenotype. Identifiers: MedGen CN230736.

Allele frequency attached by ClinVar (database versions not stated): gnomAD 0.00001.
gnomAD v4.1: 1 of 1,614,064 alleles (0.000062%); highest among the groups gnomAD compares: African/African-American, 0.0013%; no homozygotes.

Submissions (2):

Ambry Genetics
Classification: Uncertain significance for Cardiovascular phenotype. Last evaluated: 2025-11-26. Review status: criteria provided, single submitter. Criteria: Ambry Variant Classification Scheme 2023. Collection method: clinical testing. Allele origin: germline.
Comment: The c.640-3C>T intronic variant results from a C to T substitution 3 nucleotides upstream from coding exon 3 in the DES gene. This nucleotide position is well conserved in available vertebrate species. In silico splice site analysis predicts that this alteration will not have any significant effect on splicing. Based on the available evidence, the clinical significance of this variant remains unclear.

Labcorp Genetics (formerly Invitae), Labcorp
Classification: Uncertain significance for Desmin-related myofibrillar myopathy. Last evaluated: 2023-06-14. Review status: criteria provided, single submitter. Criteria: Invitae Variant Classification Sherloc (09022015). Collection method: clinical testing. Allele origin: germline.
Comment: This sequence change falls in intron 2 of the DES gene. It does not directly change the encoded amino acid sequence of the DES protein. It affects a nucleotide within the consensus splice site. This variant is not present in population databases (gnomAD no frequency). This variant has not been reported in the literature in individuals affected with DES-related conditions. Variants that disrupt the consensus splice site are a relatively common cause of aberrant splicing (PMID: 17576681, 9536098). Algorithms developed to predict the effect of sequence changes on RNA splicing suggest that this variant is not likely to affect RNA splicing. In summary, the available evidence is currently insufficient to determine the role of this variant in disease. Therefore, it has been classified as a Variant of Uncertain Significance.

Literature cited by the submitters: PubMed 17576681 (cited by Labcorp Genetics (formerly Invitae), Labcorp); PubMed 9536098 (cited by Labcorp Genetics (formerly Invitae), Labcorp).